The following is an entry in ClinVar:

NM_014363.6(SACS):c.12603C>A (p.Tyr4201Ter)

Gene: SACS (sacsin molecular chaperone; minus strand). Cytogenetic location: 13q12.12.
Variant type: single nucleotide variant.
Coding change: c.12603C>A on transcript NM_014363.6 (MANE Select); coding-DNA position 12603, C replaced by A.
Protein change: p.Tyr4201Ter; replaces tyrosine 4201 with a stop codon.
Molecular consequence: nonsense.
Genome position (GRCh38, 1-based): chr13:23,331,273, G>T on the plus strand (C>A on the coding strand, the complement: SACS is on the minus strand). VCF-style: chr13-23331273-G-T. GRCh37 (hg19) VCF-style: chr13-23905412-G-T.
Other names: c.12162C>A, p.Tyr4054Ter (NM_001278055.2); c.12603C>A (NM_014363.5); short protein forms Y4054*, Y4201*.
Identifiers: ClinVar variation 2137463 (VCV002137463.5), dbSNP rs770163213, ClinGen allele CA387507377.

ClinVar aggregate classification (germline): Pathogenic/Likely pathogenic. Review status: criteria provided, multiple submitters, no conflicts (2 of 4 stars). 2 submissions from 2 submitters: Pathogenic (1); Likely pathogenic (1). Last evaluated 2022-09-20.

Conditions:
Spastic paraplegia. Identifiers: MedGen C0037772, HP:0001258.
Charlevoix-Saguenay spastic ataxia (SACS). Also called: Spastic ataxia of Charlevoix-Saguenay; AUTOSOMAL RECESSIVE SPASTIC ATAXIA OF CHARLEVOIX-SAGUENAY; SPASTIC ATAXIA 6, AUTOSOMAL RECESSIVE. Identifiers: Orphanet 98, MedGen C1849140, MONDO:0010041, OMIM 270550.

Submissions (2):

Labcorp Genetics (formerly Invitae), Labcorp
Classification: Pathogenic for Spastic paraplegia. Last evaluated: 2022-09-20. Review status: criteria provided, single submitter. Criteria: Invitae Variant Classification Sherloc (09022015). Collection method: clinical testing. Allele origin: germline.
Comment: This variant disrupts a region of the SACS protein in which other variant(s) (p.Leu4303*) have been determined to be pathogenic (PMID: 16944349, 23497566, 26288984; Invitae). This suggests that this is a clinically significant region of the protein, and that variants that disrupt it are likely to be disease-causing. For these reasons, this variant has been classified as Pathogenic. This sequence change creates a premature translational stop signal (p.Tyr4201*) in the SACS gene. While this is not anticipated to result in nonsense mediated decay, it is expected to disrupt the last 379 amino acid(s) of the SACS protein. This variant is not present in population databases (gnomAD no frequency). This premature translational stop signal has been observed in individual(s) with hereditary spastic paraplegia (PMID: 23497566).

PROSPAX: an integrated multimodal progression  chart in spastic ataxias, Center for Neurology; Hertie-Institute for Clinical Brain Research
Classification: Likely pathogenic for Charlevoix-Saguenay spastic ataxia. Last evaluated: 2022-01-01. Review status: criteria provided, single submitter. Criteria: ACMG Guidelines, 2015. Collection method: research. Allele origin: germline. Affected: yes.
Comment: Variant seen in compound het: [c.5544dupA;c.12603C>A]

Literature cited by the submitters: PubMed 16944349 (cited by Labcorp Genetics (formerly Invitae), Labcorp); PubMed 23497566 (cited by Labcorp Genetics (formerly Invitae), Labcorp); PubMed 26288984 (cited by Labcorp Genetics (formerly Invitae), Labcorp).